The following is an entry in ClinVar:

NM_025137.4(SPG11):c.4435-1G>A

Gene: SPG11 (SPG11 vesicle trafficking associated, spatacsin; minus strand). Cytogenetic location: 15q21.1.
Variant type: single nucleotide variant.
Coding change: c.4435-1G>A on transcript NM_025137.4 (MANE Select); the canonical splice acceptor site of the intron before coding-DNA position 4435, G replaced by A.
Molecular consequence: splice acceptor variant.
Genome position (GRCh38, 1-based): chr15:44,595,460, C>T on the plus strand (G>A on the coding strand, the complement: SPG11 is on the minus strand). VCF-style: chr15-44595460-C-T. GRCh37 (hg19) VCF-style: chr15-44887658-C-T.
Other names: c.4435-1G>A (NM_001411132.1, NM_001160227.2).
Identifiers: ClinVar variation 4682357 (VCV004682357.1).

ClinVar aggregate classification (germline): Uncertain significance (1 of 4 stars; one submission).

Submission:

Athena Diagnostics
Classification: Uncertain significance. Last evaluated: 2025-03-31. Review status: criteria provided, single submitter. Criteria: Athena Diagnostics Criteria. Collection method: clinical testing. Allele origin: unknown.
Comment: Available data are insufficient to determine the clinical significance of the variant at this time. This variant has not been reported in large, multi-ethnic general populations. This variant is expected to maintain the transcript reading frame. However, it may still disrupt protein function.